The following is an entry in ClinVar:

ClinVar aggregate classification (germline): Uncertain significance. Review status: criteria provided, multiple submitters, no conflicts (2 of 4 stars). 3 submissions from 3 submitters: Uncertain significance (3). Last evaluated 2025-03-10.

Conditions:
Inborn genetic diseases. Identifiers: MedGen C0950123, MeSH D030342.
Combined oxidative phosphorylation defect type 27. Also called: Combined oxidative phosphorylation deficiency 27. Identifiers: Orphanet 477774, MedGen C5567608, MONDO:0014728, OMIM 616672.

Allele frequency attached by ClinVar (database versions not stated): gnomAD 0.00001; TOPMed 0.00002; ExAC 0.00004.

Submissions (3):

Ambry Genetics
Classification: Uncertain significance for Inborn genetic diseases. Last evaluated: 2025-03-10. Review status: criteria provided, single submitter. Criteria: Ambry Variant Classification Scheme 2023. Collection method: clinical testing. Allele origin: germline.

Labcorp Genetics (formerly Invitae), Labcorp
Classification: Uncertain significance for Combined oxidative phosphorylation defect type 27. Last evaluated: 2022-09-01. Review status: criteria provided, single submitter. Criteria: Invitae Variant Classification Sherloc (09022015). Collection method: clinical testing. Allele origin: germline.
Comment: This sequence change replaces arginine, which is basic and polar, with tryptophan, which is neutral and slightly polar, at codon 498 of the CARS2 protein (p.Arg498Trp). The frequency data for this variant in the population databases is considered unreliable, as metrics indicate poor data quality at this position in the gnomAD database. This variant has not been reported in the literature in individuals affected with CARS2-related conditions. ClinVar contains an entry for this variant (Variation ID: 1443551). Algorithms developed to predict the effect of missense changes on protein structure and function (SIFT, PolyPhen-2, Align-GVGD) all suggest that this variant is likely to be disruptive. In summary, the available evidence is currently insufficient to determine the role of this variant in disease. Therefore, it has been classified as a Variant of Uncertain Significance.

Juno Genomics, Hangzhou Juno Genomics, Inc
Classification: Uncertain significance for Combined oxidative phosphorylation defect type 27. Review status: criteria provided, single submitter. Criteria: ACMG Guidelines, 2015. Collection method: clinical testing. Allele origin: germline.
Comment: Absent from controls (or at extremely low frequency if recessive) in Genome Aggregation Database.;Multiple lines of computational evidence support a deleterious effect on the gene or gene product.

NM_024537.4(CARS2):c.1492C>T (p.Arg498Trp)

Gene: CARS2 (cysteinyl-tRNA synthetase 2, mitochondrial; minus strand). Cytogenetic location: 13q34.
Variant type: single nucleotide variant.
Coding change: c.1492C>T on transcript NM_024537.4 (MANE Select); coding-DNA position 1492, C replaced by T.
Protein change: p.Arg498Trp; replaces arginine 498 with tryptophan.
Molecular consequence: missense variant. On other transcripts: non-coding transcript variant (2).
Genome position (GRCh38, 1-based): chr13:110,642,446, G>A on the plus strand (C>T on the coding strand, the complement: CARS2 is on the minus strand). VCF-style: chr13-110642446-G-A. GRCh37 (hg19) VCF-style: chr13-111294793-G-A.
Other names: c.706C>T, p.Arg236Trp (NM_001352252.2); c.1492C>T (NM_024537.2); short protein forms R236W, R498W.
Identifiers: ClinVar variation 1443551 (VCV001443551.8), dbSNP rs758217572, ClinGen allele CA7051632.